The following is an entry in ClinVar:

ClinVar aggregate classification (germline): Uncertain significance (1 of 4 stars; one submission).

Conditions:
Psoriasis 2. Identifiers: MedGen C1864497, MONDO:0011269, OMIM 602723.
Pityriasis rubra pilaris (PRP). Also called: Pityriasis rubra pilaris--familial type. Identifiers: Orphanet 2897, MedGen C0032027, MONDO:0100017, OMIM 173200, MONDO:0008251.

Allele frequency attached by ClinVar (database versions not stated): gnomAD exomes below 0.00001; TOPMed below 0.00001; gnomAD 0.00001.
gnomAD v4.1: 5 of 1,613,990 alleles (0.00031%); highest among the groups gnomAD compares: African/African-American, 0.004%; no homozygotes.

Submission:

Labcorp Genetics (formerly Invitae), Labcorp
Classification: Uncertain significance for Pityriasis rubra pilaris; Psoriasis 2. Last evaluated: 2023-08-27. Review status: criteria provided, single submitter. Criteria: Invitae Variant Classification Sherloc (09022015). Collection method: clinical testing. Allele origin: germline.
Comment: This variant has not been reported in the literature in individuals affected with CARD14-related conditions. This variant is not present in population databases (gnomAD no frequency). This sequence change replaces methionine, which is neutral and non-polar, with threonine, which is neutral and polar, at codon 338 of the CARD14 protein (p.Met338Thr). In summary, the available evidence is currently insufficient to determine the role of this variant in disease. Therefore, it has been classified as a Variant of Uncertain Significance. Advanced modeling of protein sequence and biophysical properties (such as structural, functional, and spatial information, amino acid conservation, physicochemical variation, residue mobility, and thermodynamic stability) performed at Invitae indicates that this missense variant is not expected to disrupt CARD14 protein function.

NM_001366385.1(CARD14):c.1013T>C (p.Met338Thr)

Gene: CARD14 (caspase recruitment domain family member 14; plus strand). Cytogenetic location: 17q25.3.
Variant type: single nucleotide variant.
Coding change: c.1013T>C on transcript NM_001366385.1 (MANE Select); coding-DNA position 1013, T replaced by C.
Protein change: p.Met338Thr; replaces methionine 338 with threonine.
Molecular consequence: missense variant.
Genome position (GRCh38, 1-based): chr17:80,190,823, T>C. VCF-style: chr17-80190823-T-C. GRCh37 (hg19) VCF-style: chr17-78164622-T-C.
Other names: c.1013T>C, p.Met338Thr (NM_001257970.1, NM_024110.4); c.302T>C, p.Met101Thr (NM_052819.3); short protein forms M101T, M338T.
Identifiers: ClinVar variation 2935430 (VCV002935430.3), dbSNP rs1235018937, ClinGen allele CA401344940.